The following is an entry in ClinVar:

ClinVar aggregate classification (germline): Uncertain significance (1 of 4 stars; one submission).

Conditions:
Dilated cardiomyopathy 1W (CMD1W). Identifiers: Orphanet 154, MedGen C1969639, MONDO:0012667, OMIM 611407.

Submission:

Labcorp Genetics (formerly Invitae), Labcorp
Classification: Uncertain significance for Dilated cardiomyopathy 1W. Last evaluated: 2024-12-16. Review status: criteria provided, single submitter. Criteria: Invitae Variant Classification Sherloc (09022015). Collection method: clinical testing. Allele origin: germline.
Comment: This sequence change replaces tryptophan, which is neutral and slightly polar, with glycine, which is neutral and non-polar, at codon 912 of the VCL protein (p.Trp912Gly). This variant is not present in population databases (gnomAD no frequency). This variant has not been reported in the literature in individuals affected with VCL-related conditions. ClinVar contains an entry for this variant (Variation ID: 2790656). An algorithm developed to predict the effect of missense changes on protein structure and function (PolyPhen-2) suggests that this variant is likely to be disruptive. In summary, the available evidence is currently insufficient to determine the role of this variant in disease. Therefore, it has been classified as a Variant of Uncertain Significance.

NM_014000.3(VCL):c.2734T>G (p.Trp912Gly)

Gene: VCL (vinculin; plus strand). Cytogenetic location: 10q22.2.
Variant type: single nucleotide variant.
Coding change: c.2734T>G on transcript NM_014000.3 (MANE Select); coding-DNA position 2734, T replaced by G.
Protein change: p.Trp912Gly; replaces tryptophan 912 with glycine.
Molecular consequence: missense variant.
Genome position (GRCh38, 1-based): chr10:74,109,145, T>G. VCF-style: chr10-74109145-T-G. GRCh37 (hg19) VCF-style: chr10-75868903-T-G.
Other names: c.2734T>G, p.Trp912Gly (NM_003373.4); short protein forms W912G.
Identifiers: ClinVar variation 2790656 (VCV002790656.3), dbSNP rs2549234385, ClinGen allele CA377264476.